The following is an entry in ClinVar:

NM_000537.4(REN):c.44T>C (p.Leu15Pro)

Genes: REN (renin; minus strand), LOC107548112 (REN promoter and enhancer region; plus strand). Cytogenetic location: 1q32.1.
Variant type: single nucleotide variant.
Coding change: c.44T>C on transcript NM_000537.4 (MANE Select); coding-DNA position 44, T replaced by C.
Protein change: p.Leu15Pro; replaces leucine 15 with proline.
Molecular consequence: missense variant.
Genome position (GRCh38, 1-based): chr1:204,166,250, A>G on the plus strand (T>C on the coding strand, the complement: REN is on the minus strand). VCF-style: chr1-204166250-A-G. GRCh37 (hg19) VCF-style: chr1-204135378-A-G.
Other names: short protein forms L15P.
Identifiers: ClinVar variation 3907680 (VCV003907680.2).

ClinVar aggregate classification (germline): Likely pathogenic (1 of 4 stars; one submission).

Conditions:
Familial juvenile hyperuricemic nephropathy type 2 (ADTKD4). Also called: EARLY-ONSET HYPERURICEMIA, ANEMIA, AND PROGRESSIVE KIDNEY FAILURE; Autosomal Dominant Tubulointerstitial Kidney Disease – REN. Identifiers: Orphanet 217330, MedGen C2751310, MONDO:0013128, OMIM 613092.

Submission:

MVZ Medizinische Genetik Mainz
Classification: Likely pathogenic for Familial juvenile hyperuricemic nephropathy type 2. Last evaluated: 2025-07-21. Review status: criteria provided, single submitter. Criteria: UK Practice Guidelines For Variant Classification V4 01 2020. Collection method: clinical testing. Allele origin: germline. Inheritance: Autosomal dominant inheritance. Affected: yes. Observed: 1 variant allele.
Comment: ACMG Criteria: PM1,PM2_SUP